The following is an entry in ClinVar:

NM_012470.4(TNPO3):c.2712-218A>C

Gene: TNPO3 (transportin 3; minus strand). Cytogenetic location: 7q32.1.
Variant type: single nucleotide variant.
Coding change: c.2712-218A>C on transcript NM_012470.4 (MANE Select); 218 bases into the intron before coding-DNA position 2712, A replaced by C.
Molecular consequence: intron variant.
Genome position (GRCh38, 1-based): chr7:128,957,533, T>G on the plus strand (A>C on the coding strand, the complement: TNPO3 is on the minus strand). VCF-style: chr7-128957533-T-G. GRCh37 (hg19) VCF-style: chr7-128597587-T-G.
Other names: c.2568-218A>C (NM_001382221.1); c.2565-218A>C (NM_001382222.1); c.2604-218A>C (NM_001382219.1); c.2520-2148A>C (NM_001382223.1); c.2520-218A>C (NM_001191028.3); c.2571-218A>C (NM_001382220.1); c.2712-2148A>C (NM_001382218.1); c.2814-218A>C (NM_001382216.1); and 1 more.
Identifiers: ClinVar variation 670796 (VCV000670796.2), dbSNP rs10236569, ClinGen allele CA12547669.

ClinVar aggregate classification (germline): Benign. Review status: criteria provided, multiple submitters, no conflicts (2 of 4 stars). 2 submissions from 2 submitters: Benign (2). Last evaluated 2018-06-14.

Allele frequency attached by ClinVar (database versions not stated): 1000 Genomes Project 30x 0.59619; 1000 Genomes Project 0.60124; TOPMed 0.62340; gnomAD 0.63638 and 0.63671.
gnomAD v4.1: 96,817 of 151,978 alleles (64%); highest among the groups gnomAD compares: Middle Eastern, 71%; 31,164 homozygotes.

Submissions (2):

GeneDx
Classification: Benign. Last evaluated: 2018-06-14. Review status: criteria provided, single submitter. Criteria: GeneDx Variant Classification (06012015). Collection method: clinical testing. Allele origin: germline. Affected: yes.
Comment: This variant is considered likely benign or benign based on one or more of the following criteria: it is a conservative change, it occurs at a poorly conserved position in the protein, it is predicted to be benign by multiple in silico algorithms, and/or has population frequency not consistent with disease.

Breakthrough Genomics
Classification: Benign. Review status: criteria provided, single submitter. Criteria: ACMG Guidelines, 2015. Collection method: not provided. Allele origin: germline. Inheritance: Autosomal dominant inheritance. Affected: yes.